The following is an entry in ClinVar:

NM_001845.6(COL4A1):c.2849A>G (p.Lys950Arg)

Gene: COL4A1 (collagen type IV alpha 1 chain; minus strand). Cytogenetic location: 13q34.
Variant type: single nucleotide variant.
Coding change: c.2849A>G on transcript NM_001845.6 (MANE Select); coding-DNA position 2849, A replaced by G.
Protein change: p.Lys950Arg; replaces lysine 950 with arginine.
Molecular consequence: missense variant.
Genome position (GRCh38, 1-based): chr13:110,176,905, T>C on the plus strand (A>G on the coding strand, the complement: COL4A1 is on the minus strand). VCF-style: chr13-110176905-T-C. GRCh37 (hg19) VCF-style: chr13-110829252-T-C.
Other names: short protein forms K950R.
Identifiers: ClinVar variation 1359984 (VCV001359984.6), dbSNP rs2139162983, ClinGen allele CA388666766.

ClinVar aggregate classification (germline): Uncertain significance (1 of 4 stars; one submission).

Submission:

Labcorp Genetics (formerly Invitae), Labcorp
Classification: Uncertain significance. Last evaluated: 2021-10-16. Review status: criteria provided, single submitter. Criteria: Invitae Variant Classification Sherloc (09022015). Collection method: clinical testing. Allele origin: germline.
Comment: This sequence change replaces lysine with arginine at codon 950 of the COL4A1 protein (p.Lys950Arg). The lysine residue is highly conserved and there is a small physicochemical difference between lysine and arginine. This variant is not present in population databases (ExAC no frequency). This variant has not been reported in the literature in individuals affected with COL4A1-related conditions. Advanced modeling of protein sequence and biophysical properties (such as structural, functional, and spatial information, amino acid conservation, physicochemical variation, residue mobility, and thermodynamic stability) performed at Invitae indicates that this missense variant is not expected to disrupt COL4A1 protein function. In summary, the available evidence is currently insufficient to determine the role of this variant in disease. Therefore, it has been classified as a Variant of Uncertain Significance.